The following is an entry in ClinVar:

ClinVar aggregate classification (germline): Pathogenic. Review status: criteria provided, multiple submitters, no conflicts (2 of 4 stars). 2 submissions from 2 submitters: Pathogenic (2). Last evaluated 2024-02-08.

Conditions:
Hereditary cancer-predisposing syndrome. Also called: Tumor predisposition; Hereditary neoplastic syndrome; Neoplastic Syndromes, Hereditary; Hereditary Cancer Syndrome. Identifiers: Orphanet 140162, MedGen C0027672, MeSH D009386, MONDO:0015356.
Familial cancer of breast. Also called: Hereditary breast cancer; BREAST CANCER, FAMILIAL; hereditary breast carcinoma. Identifiers: Orphanet 227535, MedGen C0346153, MONDO:0016419, OMIM 114480. Disease mechanism: loss of function.

Submissions (2):

Ambry Genetics
Classification: Pathogenic for Hereditary cancer-predisposing syndrome. Last evaluated: 2024-02-08. Review status: criteria provided, single submitter. Criteria: Ambry Variant Classification Scheme 2023. Collection method: clinical testing. Allele origin: germline.
Comment: The c.2341delA pathogenic mutation, located in coding exon 15 of the BRIP1 gene, results from a deletion of one nucleotide at nucleotide position 2341, causing a translational frameshift with a predicted alternate stop codon (p.T781Qfs*2). This variant was reported in 1 of 1007 individuals with a personal history of breast cancer (Walsh T et al. JAMA Oncol, 2017 Dec;3:1647-1653). This variant is considered to be rare based on population cohorts in the Genome Aggregation Database (gnomAD). In addition to the clinical data presented in the literature, this alteration is expected to result in loss of function by premature protein truncation or nonsense-mediated mRNA decay. As such, this alteration is interpreted as a disease-causing mutation.

Myriad Genetics, Inc.
Classification: Pathogenic for Familial cancer of breast. Last evaluated: 2023-06-06. Review status: criteria provided, single submitter. Criteria: Myriad Autosomal Dominant, Autosomal Recessive and X-Linked Classification Criteria (2023). Collection method: clinical testing. Allele origin: unknown.
Comment: This variant is considered pathogenic. This variant creates a frameshift predicted to result in premature protein truncation.

Literature cited by the submitters: PubMed 28727877 (cited by Ambry Genetics).

NM_032043.3(BRIP1):c.2341del (p.Thr781fs)

Gene: BRIP1 (BRCA1 interacting DNA helicase 1; minus strand). Cytogenetic location: 17q23.2.
Variant type: Deletion.
Coding change: c.2341del on transcript NM_032043.3 (MANE Select); coding-DNA position 2341, one base deleted (A; older notation c.2341delA).
Protein change: p.Thr781fs; shifts the reading frame from threonine 781.
Molecular consequence: frameshift variant.
Genome position (GRCh38, 1-based): chr17:61,743,051, T deleted on the plus strand (A on the coding strand, the reverse complement: BRIP1 is on the minus strand); the first of 2 consecutive T bases (chr17:61,743,051-61,743,052); deleting either gives the same sequence. VCF-style (leftmost placement, unchanged base first): chr17-61743050-GT-G. GRCh37 (hg19) VCF-style: chr17-59820411-GT-G.
Other names: c.2341delA (NM_032043.2); short protein forms T781fs.
Identifiers: ClinVar variation 2583521 (VCV002583521.3), dbSNP rs1555590388, ClinGen allele CA2582342206.
Genomic context (GRCh38, chr17:61,743,050, plus strand): 5'-AACTTAAGGTTTTGATGGCCTACCTGTAGATCTTTCACATTTGGAAAAGGAATTCCTATT[GT>G]TATGACAGCACGGGCATTGTCATCTGAGAAATCCAGACCCTCACTCACTTTACCACGACA-3'